The following is an entry in ClinVar:

ClinVar aggregate classification (germline): Uncertain significance (1 of 4 stars; one submission).

Conditions:
ITSN1-related disorder. Also called: ITSN1-related condition.

Allele frequency attached by ClinVar (database versions not stated): gnomAD exomes 0.00001; TOPMed 0.00002; gnomAD 0.00003; ExAC 0.00004.
gnomAD v4.1: 24 of 1,613,990 alleles (0.0015%); highest among the groups gnomAD compares: East Asian, 0.0089%; no homozygotes.

Submission:

PreventionGenetics, part of Exact Sciences
Classification: Uncertain significance for ITSN1-related condition. Last evaluated: 2023-08-30. Review status: criteria provided, single submitter. Criteria: ACMG Guidelines, 2015. Collection method: clinical testing. Allele origin: germline.
Comment: The ITSN1 c.5048C>T variant is predicted to result in the amino acid substitution p.Ala1683Val. To our knowledge, this variant has not been reported in the literature. This variant is reported in 0.015% of alleles in individuals of East Asian descent in gnomAD. At this time, the clinical significance of this variant is uncertain due to the absence of conclusive functional and genetic evidence.

NM_003024.3(ITSN1):c.5048C>T (p.Ala1683Val)

Gene: ITSN1 (intersectin 1; plus strand). Cytogenetic location: 21q22.11.
Variant type: single nucleotide variant.
Coding change: c.5048C>T on transcript NM_003024.3 (MANE Select); coding-DNA position 5048, C replaced by T.
Protein change: p.Ala1683Val; replaces alanine 1683 with valine.
Molecular consequence: missense variant.
Genome position (GRCh38, 1-based): chr21:33,888,182, C>T. VCF-style: chr21-33888182-C-T. GRCh37 (hg19) VCF-style: chr21-35260486-C-T.
Other names: c.5033C>T, p.Ala1678Val (NM_001331010.2); short protein forms A1678V, A1683V.
Identifiers: ClinVar variation 2628579 (VCV002628579.1), dbSNP rs777159341, ClinGen allele CA10012620.